The following is an entry in ClinVar:

ClinVar aggregate classification (germline): Pathogenic (1 of 4 stars; one submission).

gnomAD v4.1: 3 of 1,613,844 alleles (0.00019%); highest among the groups gnomAD compares: Non-Finnish European, 0.00017%; no homozygotes.

Submission:

Labcorp Genetics (formerly Invitae), Labcorp
Classification: Pathogenic. Last evaluated: 2024-01-24. Review status: criteria provided, single submitter. Criteria: Invitae Variant Classification Sherloc (09022015). Collection method: clinical testing. Allele origin: germline.
Comment: This sequence change creates a premature translational stop signal (p.Gln601*) in the POP1 gene. It is expected to result in an absent or disrupted protein product. Loss-of-function variants in POP1 are known to be pathogenic (PMID: 21455487). This variant is not present in population databases (gnomAD no frequency). This variant has not been reported in the literature in individuals affected with POP1-related conditions. ClinVar contains an entry for this variant (Variation ID: 1386533). Algorithms developed to predict the effect of sequence changes on RNA splicing suggest that this variant may disrupt the consensus splice site. For these reasons, this variant has been classified as Pathogenic.

Literature cited by the submitters: PubMed 21455487.

NM_001145860.2(POP1):c.1801C>T (p.Gln601Ter)

Gene: POP1 (POP1 ribonuclease P/MRP subunit; plus strand). Cytogenetic location: 8q22.2.
Variant type: single nucleotide variant.
Coding change: c.1801C>T on transcript NM_001145860.2 (MANE Select); coding-DNA position 1801, C replaced by T.
Protein change: p.Gln601Ter; replaces glutamine 601 with a stop codon.
Molecular consequence: nonsense.
Genome position (GRCh38, 1-based): chr8:98,148,905, C>T. VCF-style: chr8-98148905-C-T. GRCh37 (hg19) VCF-style: chr8-99161133-C-T.
Other names: c.1801C>T, p.Gln601Ter (NM_001145861.2, NM_015029.3); short protein forms Q601*.
Identifiers: ClinVar variation 1386533 (VCV001386533.6), dbSNP rs764959366, ClinGen allele CA371770751.